The following is an entry in ClinVar:

NM_004333.6(BRAF):c.1741A>C (p.Asn581His)

Gene: BRAF (B-Raf proto-oncogene, serine/threonine kinase; minus strand). Cytogenetic location: 7q34.
Variant type: single nucleotide variant.
Coding change: c.1741A>C on transcript NM_004333.6 (MANE Select); coding-DNA position 1741, A replaced by C.
Protein change: p.Asn581His; replaces asparagine 581 with histidine.
Molecular consequence: missense variant.
Genome position (GRCh38, 1-based): chr7:140,754,187, T>G on the plus strand (A>C on the coding strand, the complement: BRAF is on the minus strand). VCF-style: chr7-140754187-T-G. GRCh37 (hg19) VCF-style: chr7-140453987-T-G.
Other names: c.1741A>C, p.Asn581His (NM_001354609.2, NM_001378468.1, NM_001378474.1); c.1861A>C, p.Asn621His (NM_001374244.1, NM_001374258.1); c.1750A>C, p.Asn584His (NM_001378467.1); c.1675A>C, p.Asn559His (NM_001378469.1); c.1639A>C, p.Asn547His (NM_001378470.1); c.1630A>C, p.Asn544His (NM_001378471.1); c.1585A>C, p.Asn529His (NM_001378472.1, NM_001378473.1); c.1477A>C, p.Asn493His (NM_001378475.1); short protein forms N581H, N493H, N529H, N544H, N547H, N559H, N584H, N621H.
Identifiers: ClinVar variation 55794 (VCV000055794.6), dbSNP rs180177040, ClinGen allele CA284657.

ClinVar aggregate classification (germline): Conflicting classifications of pathogenicity. Review status: criteria provided, conflicting classifications (1 of 4 stars). 2 submissions from 2 submitters: Pathogenic (1); Uncertain significance (1). Last evaluated 2022-12-21.

Conditions:
RASopathy. Also called: rasopathies; Noonan spectrum disorder. Identifiers: Orphanet 536391, MedGen C5555857, MONDO:0021060.
BRAF-related disorder. Also called: BRAF-related condition.

Submissions (2):

PreventionGenetics, part of Exact Sciences
Classification: Pathogenic for BRAF-related condition. Last evaluated: 2022-12-21. Review status: criteria provided, single submitter. Criteria: ACMG Guidelines, 2015. Collection method: clinical testing. Allele origin: germline.
Comment: The BRAF c.1741A>C variant is predicted to result in the amino acid substitution p.Asn581His. This variant was reported as de novo in a patient with nonimmune hydrops fetalis (Sparks et al. 2020. PubMed ID: 33027564). A different variant at this position (p.Asn581Asp) has been reported in at least at least 14 individuals with cardio-facio-cutaneous syndrome, including at least 3 de novo events (Table S1, Rodriguez-Viciana et al. 2006. PubMed ID: 16439621; Niihori et al. 2006. PubMed ID: 16474404; Yoon et al. 2007. PubMed ID: 18039235; Schulz et al. 2007. PubMed ID: 18042262; Nava et al. 2007. PubMed ID: 17704260; Pierpont et al. 2010. PubMed ID: 20186801; Hazan et al. 2012. PubMed ID: 22876591; Quaio et al. 2013. PubMed ID: 24037001; Ciara et al. 2015. PubMed ID: 25463315; Table S3 - Leach et al. 2018. PubMed ID: 29907801). This variant has not been reported in a large population database, indicating this variant is rare. This variant is interpreted as pathogenic.

Labcorp Genetics (formerly Invitae), Labcorp
Classification: Uncertain significance for RASopathy. Last evaluated: 2021-09-01. Review status: criteria provided, single submitter. Criteria: Invitae Variant Classification Sherloc (09022015). Collection method: clinical testing. Allele origin: germline.